The following is an entry in ClinVar:

NM_002878.4(RAD51D):c.402T>C (p.Tyr134=)

Genes: RAD51L3-RFFL (RAD51L3-RFFL readthrough; minus strand), RAD51D (RAD51 paralog D; minus strand). Cytogenetic location: 17q12.
Variant type: single nucleotide variant.
Coding change: c.402T>C on transcript NM_002878.4 (MANE Select); coding-DNA position 402, T replaced by C.
Protein change: p.Tyr134=; no amino-acid change (tyrosine 134 retained).
Molecular consequence: synonymous variant. On other transcripts: non-coding transcript variant (1), intron variant (1).
Genome position (GRCh38, 1-based): chr17:35,107,066, A>G on the plus strand (T>C on the coding strand, the complement: RAD51D is on the minus strand). VCF-style: chr17-35107066-A-G. GRCh37 (hg19) VCF-style: chr17-33434085-A-G.
Other names: c.462T>C, p.Tyr154= (NM_001142571.2); c.145-585T>C (NM_133629.3).
Identifiers: ClinVar variation 922691 (VCV000922691.8), dbSNP rs1419080369, ClinGen allele CA499731720.

ClinVar aggregate classification (germline): Conflicting classifications of pathogenicity. Review status: criteria provided, conflicting classifications (1 of 4 stars). 4 submissions from 4 submitters: Uncertain significance (1); Likely benign (3). Last evaluated 2023-10-13.

Conditions:
Hereditary cancer-predisposing syndrome. Also called: Neoplastic Syndromes, Hereditary; Tumor predisposition; Hereditary Cancer Syndrome; Hereditary neoplastic syndrome. Identifiers: Orphanet 140162, MedGen C0027672, MeSH D009386, MONDO:0015356.
Breast-ovarian cancer, familial, susceptibility to, 4. Identifiers: Orphanet 145, MedGen C3280345, MONDO:0013669, OMIM 614291.

Submissions (4):

Labcorp Genetics (formerly Invitae), Labcorp
Classification: Likely benign for Breast-ovarian cancer, familial, susceptibility to, 4. Last evaluated: 2023-10-13. Review status: criteria provided, single submitter. Criteria: Invitae Variant Classification Sherloc (09022015). Collection method: clinical testing. Allele origin: germline.

Quest Diagnostics Nichols Institute San Juan Capistrano
Classification: Uncertain significance. Last evaluated: 2023-05-22. Review status: criteria provided, single submitter. Criteria: Quest Diagnostics criteria. Collection method: clinical testing. Allele origin: unknown.
Comment: To the best of our knowledge, this variant has not been reported in the published literature. It also has not been reported in large, multi-ethnic general populations (Genome Aggregation Database). Analysis of this variant using software algorithms for the prediction of the effect of nucleotide changes on splicing yielded predictions that this variant does not affect RAD51D mRNA splicing . Based on the available information, we are unable to determine the clinical significance of this variant.

Ambry Genetics
Classification: Likely benign for Hereditary cancer-predisposing syndrome. Last evaluated: 2021-03-14. Review status: criteria provided, single submitter. Criteria: Ambry Variant Classification Scheme 2023. Collection method: clinical testing. Allele origin: germline.

Color Diagnostics, LLC DBA Color Health
Classification: Likely benign for Hereditary cancer-predisposing syndrome. Last evaluated: 2019-07-18. Review status: criteria provided, single submitter. Criteria: ACMG Guidelines, 2015. Collection method: clinical testing. Allele origin: germline.